The following is an entry in ClinVar:

NM_032634.4(PIGO):c.230C>T (p.Ala77Val)

Gene: PIGO (phosphatidylinositol glycan anchor biosynthesis class O; minus strand). Cytogenetic location: 9p13.3.
Variant type: single nucleotide variant.
Coding change: c.230C>T on transcript NM_032634.4 (MANE Select); coding-DNA position 230, C replaced by T.
Protein change: p.Ala77Val; replaces alanine 77 with valine.
Molecular consequence: missense variant.
Genome position (GRCh38, 1-based): chr9:35,095,336, G>A on the plus strand (C>T on the coding strand, the complement: PIGO is on the minus strand). VCF-style: chr9-35095336-G-A. GRCh37 (hg19) VCF-style: chr9-35095333-G-A.
Other names: c.230C>T, p.Ala77Val (NM_001201484.2, NM_152850.4); short protein forms A77V.
Identifiers: ClinVar variation 1060461 (VCV001060461.9), dbSNP rs1489992993, ClinGen allele CA373324710.

ClinVar aggregate classification (germline): Uncertain significance (1 of 4 stars; one submission).

Conditions:
Hyperphosphatasia with impaired intellectual development syndrome 2. Also called: Hyperphosphatasia with intellectual disability syndrome 2; GLYCOSYLPHOSPHATIDYLINOSITOL BIOSYNTHESIS DEFECT 6. Identifiers: Orphanet 247262, MedGen C3553637, MONDO:0013882, OMIM 614749.

Allele frequency attached by ClinVar (database versions not stated): gnomAD exomes 0.00001 and below 0.00001.
gnomAD v4.1: 11 of 1,614,168 alleles (0.00068%); highest among the groups gnomAD compares: Admixed American, 0.0017%; no homozygotes.

Submission:

Labcorp Genetics (formerly Invitae), Labcorp
Classification: Uncertain significance for Hyperphosphatasia with impaired intellectual development syndrome 2. Last evaluated: 2021-04-11. Review status: criteria provided, single submitter. Criteria: Invitae Variant Classification Sherloc (09022015). Collection method: clinical testing. Allele origin: germline.
Comment: In summary, the available evidence is currently insufficient to determine the role of this variant in disease. Therefore, it has been classified as a Variant of Uncertain Significance. Algorithms developed to predict the effect of missense changes on protein structure and function (SIFT, PolyPhen-2, Align-GVGD) all suggest that this variant is likely to be disruptive, but these predictions have not been confirmed by published functional studies and their clinical significance is uncertain. This variant has not been reported in the literature in individuals with PIGO-related conditions. This variant is not present in population databases (ExAC no frequency). This sequence change replaces alanine with valine at codon 77 of the PIGO protein (p.Ala77Val). The alanine residue is highly conserved and there is a small physicochemical difference between alanine and valine.